The following is an entry in ClinVar:

ClinVar aggregate classification (germline): Conflicting classifications of pathogenicity. Review status: criteria provided, conflicting classifications (1 of 4 stars). 4 submissions from 4 submitters: Uncertain significance (3); Likely benign (1). Last evaluated 2024-01-19.

Conditions:
Inborn genetic diseases. Identifiers: MedGen C0950123, MeSH D030342.
Intellectual disability, autosomal recessive 42 (NEDDSBA). Also called: Neurodevelopmental disorder with dysmorphic features, spasticity, and brain abnormalities; GLYCOSYLPHOSPHATIDYLINOSITOL BIOSYNTHESIS DEFECT 9. Identifiers: Orphanet 88616, MedGen C4014343, MONDO:0014348, OMIM 615802.

Allele frequency attached by ClinVar (database versions not stated): TOPMed 0.00002; gnomAD 0.00003; gnomAD exomes 0.00005; ExAC 0.00008.
gnomAD v4.1: 78 of 1,599,134 alleles (0.0049%); highest among the groups gnomAD compares: Middle Eastern, 0.017%; no homozygotes.

Submissions (4):

Labcorp Genetics (formerly Invitae), Labcorp
Classification: Uncertain significance for Intellectual disability, autosomal recessive 42. Last evaluated: 2024-01-19. Review status: criteria provided, single submitter. Criteria: Invitae Variant Classification Sherloc (09022015). Collection method: clinical testing. Allele origin: germline.
Comment: This sequence change replaces threonine, which is neutral and polar, with methionine, which is neutral and non-polar, at codon 220 of the PGAP1 protein (p.Thr220Met). This variant is present in population databases (rs774987863, gnomAD 0.02%). This variant has not been reported in the literature in individuals affected with PGAP1-related conditions. ClinVar contains an entry for this variant (Variation ID: 624167). Advanced modeling of protein sequence and biophysical properties (such as structural, functional, and spatial information, amino acid conservation, physicochemical variation, residue mobility, and thermodynamic stability) performed at Invitae indicates that this missense variant is not expected to disrupt PGAP1 protein function with a negative predictive value of 80%. In summary, the available evidence is currently insufficient to determine the role of this variant in disease. Therefore, it has been classified as a Variant of Uncertain Significance.

GeneDx
Classification: Uncertain significance. Last evaluated: 2023-03-18. Review status: criteria provided, single submitter. Criteria: GeneDx Variant Classification Process June 2021. Collection method: clinical testing. Allele origin: germline. Affected: yes.
Comment: In silico analysis supports that this missense variant does not alter protein structure/function; Has not been previously published as pathogenic or benign to our knowledge

Ambry Genetics
Classification: Likely benign for Inborn genetic diseases. Last evaluated: 2021-06-29. Review status: criteria provided, single submitter. Criteria: Ambry Variant Classification Scheme 2023. Collection method: clinical testing. Allele origin: germline.

CeGaT Center for Human Genetics Tuebingen
Classification: Uncertain significance. Last evaluated: 2018-06-01. Review status: criteria provided, single submitter. Criteria: CeGaT Center For Human Genetics Tuebingen Variant Classification Criteria Version 2. Collection method: clinical testing. Allele origin: germline. Affected: yes. Observed: 3 variant alleles.

NM_024989.4(PGAP1):c.659C>T (p.Thr220Met)

Gene: PGAP1 (post-GPI attachment to proteins inositol deacylase 1; minus strand). Cytogenetic location: 2q33.1.
Variant type: single nucleotide variant.
Coding change: c.659C>T on transcript NM_024989.4 (MANE Select); coding-DNA position 659, C replaced by T.
Protein change: p.Thr220Met; replaces threonine 220 with methionine.
Molecular consequence: missense variant. On other transcripts: 5 prime UTR variant (1).
Genome position (GRCh38, 1-based): chr2:196,902,733, G>A on the plus strand (C>T on the coding strand, the complement: PGAP1 is on the minus strand). VCF-style: chr2-196902733-G-A. GRCh37 (hg19) VCF-style: chr2-197767457-G-A.
Other names: c.137C>T, p.Thr46Met (NM_001321099.2); c.-453C>T (NM_001321100.2); c.659C>T (NM_024989.3); short protein forms T220M, T46M.
Identifiers: ClinVar variation 624167 (VCV000624167.49), dbSNP rs774987863, ClinGen allele CA2041143.
Genomic context (GRCh38, chr2:196,902,733, plus strand): 5'-ACAGAAAGTGTGGTTAAATTTATGTGTCGAGCATTTAGAATCCAATAGTTGTTTACAGTC[G>A]TATAAAAATCTGGTGGGGAATAAAAAAGAGACATTAAAAAACAGTAGCCATTCCCTGAAA-3'
Protein context (NP_079265.2, residues 210-230): PLDRFITDFY[Thr220Met]TVNNYWILNA